The following is an entry in ClinVar:

ClinVar aggregate classification (germline): Pathogenic/Likely pathogenic. Review status: criteria provided, multiple submitters, no conflicts (2 of 4 stars). 11 submissions from 11 submitters: Pathogenic (7); Likely pathogenic (2). 2 of the submissions do not count toward it. Last evaluated 2025-08-21.

Conditions:
EYS-related disorder. Also called: EYS-related condition.
Retinal dystrophy. Also called: Inherited retinal dystrophy. Identifiers: Orphanet 71862, MedGen C0854723, MeSH D058499, MONDO:0019118, HP:0000556.
Retinitis pigmentosa (RP). Identifiers: Orphanet 791, MedGen C0035334, MeSH D012174, MONDO:0019200, OMIM 268000. Inheritance: Autosomal dominant, autosomal recessive and X linked inheritance.
Retinitis pigmentosa 25 (RP25). Identifiers: Orphanet 791, MedGen C1864446, MONDO:0011272, OMIM 602772.

Allele frequency attached by ClinVar (database versions not stated): gnomAD 0.00001; gnomAD exomes 0.00001 and 0.00003.
gnomAD v4.1: 13 of 1,549,312 alleles (0.00084%); highest among the groups gnomAD compares: South Asian, 0.0071%; no homozygotes.

Submissions (11):

Natera, Inc.
Classification: Pathogenic for Retinitis pigmentosa type 25. Last evaluated: 2025-08-21. Review status: criteria provided, single submitter. Criteria: Natera Variant Classification Schema (03/2026). Collection method: clinical testing. Allele origin: germline.
Comment: The c.6976C>T variant in EYS is a nonsense variant predicted to introduce a stop codon at amino acid 2326. This variant is expected to result in nonsense mediated decay, truncation, or a dysfunctional protein product. This variant is rare in the general population with a frequency below the threshold expected for the associated phenotype(s). This variant has been observed in one or more individuals affected with the associated recessive disease, as either homozygous or compound heterozygous with a second variant (PMID: 26161267, 36284460). Given the available evidence, this variant is classified as Pathogenic.

Labcorp Genetics (formerly Invitae), Labcorp
Classification: Pathogenic. Last evaluated: 2025-06-14. Review status: criteria provided, single submitter. Criteria: Invitae Variant Classification Sherloc (09022015). Collection method: clinical testing. Allele origin: germline.
Comment: This sequence change creates a premature translational stop signal (p.Arg2326*) in the EYS gene. It is expected to result in an absent or disrupted protein product. Loss-of-function variants in EYS are known to be pathogenic (PMID: 18836446, 20333770). This variant is present in population databases (no rsID available, gnomAD 0.008%). This premature translational stop signal has been observed in individual(s) with autosomal recessive retinitis pigmentosa (PMID: 26161267). ClinVar contains an entry for this variant (Variation ID: 402227). For these reasons, this variant has been classified as Pathogenic.

Fulgent Genetics
Classification: Pathogenic for Retinitis pigmentosa 25. Last evaluated: 2024-03-10. Review status: criteria provided, single submitter. Criteria: ACMG Guidelines, 2015. Collection method: clinical testing. Allele origin: germline.

Baylor Genetics
Classification: Pathogenic for Retinitis pigmentosa 25. Last evaluated: 2023-11-14. Review status: criteria provided, single submitter. Criteria: ACMG Guidelines, 2015. Collection method: clinical testing. Allele origin: unknown.

Dept Of Ophthalmology, Nagoya University
Classification: Pathogenic for Retinal dystrophy. Last evaluated: 2023-10-01. Review status: criteria provided, single submitter. Criteria: Submitter's publication. Collection method: research. Allele origin: germline. Affected: yes.

Broad Center for Mendelian Genomics, Broad Institute of MIT and Harvard
Classification: Pathogenic for Retinitis pigmentosa. Last evaluated: 2021-04-01. Review status: criteria provided, single submitter. Criteria: ACMG Guidelines, 2015. Collection method: curation. Allele origin: germline. Inheritance: Autosomal recessive inheritance. Affected: yes.
Comment: Through a review of available evidence we were able to apply the following criteria: PVS1, PM2, PM3-P. Based on this evidence we have classified this variant as Pathogenic. If you have any questions about the classification please reach out to the Pierce Lab.

Blueprint Genetics
Classification: Likely pathogenic for EYS-related disorders. Last evaluated: 2021-01-19. Review status: criteria provided, single submitter. Criteria: ACMG Guidelines, 2015. Collection method: clinical testing. Allele origin: germline. Affected: yes. Observed: 2 variant alleles.

Institute of Human Genetics, Univ. Regensburg, Univ. Regensburg
Classification: Pathogenic for Retinal dystrophy. Last evaluated: 2020-01-01. Review status: criteria provided, single submitter. Criteria: ACMG Guidelines, 2015. Collection method: clinical testing. Allele origin: germline. Affected: yes.

Knight Diagnostic Laboratories, Oregon Health and Sciences University
Classification: Likely pathogenic for Retinitis pigmentosa 25. Last evaluated: 2015-07-24. Review status: criteria provided, single submitter. Criteria: ACMG Guidelines, 2015. Collection method: clinical testing. Allele origin: germline. Affected: no. Study: CSER-NextGen.
Comment: The c.6976C>T (p.Arg2326*) is a novel nonsense variant in the EYS gene that leads to premature truncation of the protein, causing a disorder where loss of function is a mechanism of disease. Other pathogenic nonsense variants have been described in the EYS gene in several affected individuals, linked to the disease, and reported to be in the same region as this nonsense variant (Littinik et al., 2010 and Iwanami et al., 2012). This p.Arg2326* has not been reported in the three control population databases (Exome Sequencing Project [ESP], 1000 Genomes, and ExAc) and displayed a high CADD score (45). Therefore, this collective evidence supports the classification of the c.6976C>T (p.Arg2326*) as a recessive likely pathogenic variant for Retinitis Pigmentosa-25.

Gen-Eye Clinic, Grow Research Laboratory, Narayana Nethralaya
Classification: Pathogenic for Retinitis pigmentosa. Last evaluated: 2025-04-09. Review status: no assertion criteria provided. Collection method: clinical testing. Allele origin: germline. Affected: yes. Not counted in ClinVar's aggregate classification.

Sharon lab, Hadassah-Hebrew University Medical Center
Classification: Pathogenic for Retinitis pigmentosa. Last evaluated: 2019-06-23. Review status: no assertion criteria provided. Collection method: research. Allele origin: inherited. Affected: yes. Not counted in ClinVar's aggregate classification.

Literature cited by the submitters: PubMed 26161267 (cited by 5 submitters); PubMed 36284460 (cited by Natera, Inc. and Institute of Human Genetics, Univ. Regensburg, Univ. Regensburg); PubMed 18836446 (cited by Labcorp Genetics (formerly Invitae), Labcorp); PubMed 20333770 (cited by Labcorp Genetics (formerly Invitae), Labcorp); PubMed 34906470 (cited by Broad Center for Mendelian Genomics, Broad Institute of MIT and Harvard); PubMed 31964843 (cited by Institute of Human Genetics, Univ. Regensburg, Univ. Regensburg); PubMed 31456290 (cited by Institute of Human Genetics, Univ. Regensburg, Univ. Regensburg).

NM_001142800.2(EYS):c.6976C>T (p.Arg2326Ter)

Gene: EYS (EGF-like photoreceptor maintenance factor; minus strand). Cytogenetic location: 6q12.
Variant type: single nucleotide variant.
Coding change: c.6976C>T on transcript NM_001142800.2 (MANE Select); coding-DNA position 6976, C replaced by T.
Protein change: p.Arg2326Ter; replaces arginine 2326 with a stop codon.
Molecular consequence: nonsense.
Genome position (GRCh38, 1-based): chr6:63,984,462, G>A on the plus strand (C>T on the coding strand, the complement: EYS is on the minus strand). VCF-style: chr6-63984462-G-A. GRCh37 (hg19) VCF-style: chr6-64694355-G-A.
Other names: c.6976C>T, p.Arg2326Ter (NM_001292009.2); short protein forms R2326*.
Identifiers: ClinVar variation 402227 (VCV000402227.25), dbSNP rs1060499783, ClinGen allele CA16609553.